The following is an entry in ClinVar:

NM_000038.6(APC):c.2806A>C (p.Asn936His)

Gene: APC (APC regulator of Wnt signaling pathway; plus strand). Cytogenetic location: 5q22.2.
Variant type: single nucleotide variant.
Coding change: c.2806A>C on transcript NM_000038.6 (MANE Select); coding-DNA position 2806, A replaced by C.
Protein change: p.Asn936His; replaces asparagine 936 with histidine.
Molecular consequence: missense variant.
Genome position (GRCh38, 1-based): chr5:112,838,400, A>C. VCF-style: chr5-112838400-A-C. GRCh37 (hg19) VCF-style: chr5-112174097-A-C.
Other names: c.2806A>C, p.Asn936His (NM_001127510.3, NM_001354895.2, NM_001407450.1); c.2752A>C, p.Asn918His (NM_001127511.3); c.2860A>C, p.Asn954His (NM_001354896.2, NM_001407447.1, NM_001407448.1 and 1 more transcripts); c.2836A>C, p.Asn946His (NM_001354897.2); c.2731A>C, p.Asn911His (NM_001354898.2); c.2722A>C, p.Asn908His (NM_001354899.2); c.2683A>C, p.Asn895His (NM_001354900.2); c.2629A>C, p.Asn877His (NM_001354901.2, NM_001407453.1); and 11 more; short protein forms N845H, N877H, N918H, N552H, N653H, N807H, N926H, N810H.
Identifiers: ClinVar variation 1796269 (VCV001796269.2), dbSNP rs2149877883, ClinGen allele CA16027448.

ClinVar aggregate classification (germline): Uncertain significance (1 of 4 stars; one submission).

Conditions:
Hereditary cancer-predisposing syndrome. Also called: Tumor predisposition; Hereditary Cancer Syndrome; Neoplastic Syndromes, Hereditary; Hereditary neoplastic syndrome. Identifiers: Orphanet 140162, MedGen C0027672, MeSH D009386, MONDO:0015356.

Submission:

Ambry Genetics
Classification: Uncertain significance for Hereditary cancer-predisposing syndrome. Last evaluated: 2021-04-30. Review status: criteria provided, single submitter. Criteria: Ambry Variant Classification Scheme 2023. Collection method: clinical testing. Allele origin: germline.
Comment: The p.N936H variant (also known as c.2806A>C), located in coding exon 15 of the APC gene, results from an A to C substitution at nucleotide position 2806. The asparagine at codon 936 is replaced by histidine, an amino acid with similar properties. This amino acid position is not well conserved in available vertebrate species. In addition, in silico predictors for this gene do not accurately predict pathogenicity. Since supporting evidence is limited at this time, the clinical significance of this alteration remains unclear.